The following is an entry in ClinVar:

NM_001360016.2(G6PD):c.582C>G (p.Asp194Glu)

Gene: G6PD (glucose-6-phosphate dehydrogenase; minus strand). Cytogenetic location: Xq28.
Variant type: single nucleotide variant.
Coding change: c.582C>G on transcript NM_001360016.2 (MANE Select); coding-DNA position 582, C replaced by G.
Protein change: p.Asp194Glu; replaces aspartic acid 194 with glutamic acid.
Molecular consequence: missense variant.
Genome position (GRCh38, 1-based): chrX:154,534,400, G>C on the plus strand (C>G on the coding strand, the complement: G6PD is on the minus strand). VCF-style: chrX-154534400-G-C. GRCh37 (hg19) VCF-style: chrX-153762615-G-C.
Other names: G6PD Salt Lake; p.Asp194Glu; c.672C>G, p.Asp224Glu (NM_000402.4); c.582C>G, p.Asp194Glu (NM_001042351.3); short protein forms D194E, D224E.
Identifiers: ClinVar variation 368101 (VCV000368101.30), dbSNP rs145247580, ClinGen allele CA10566211.

ClinVar aggregate classification (germline): Conflicting classifications of pathogenicity. Review status: criteria provided, conflicting classifications (1 of 4 stars). 9 submissions from 9 submitters: Uncertain significance (2); Likely benign (6). 1 of the submissions does not count toward it. Last evaluated 2026-04-16.

Conditions:
G6PD deficiency. Also called: G6PD A-. Identifiers: MedGen C2939465, MONDO:0005775.
Anemia, nonspherocytic hemolytic, due to G6PD deficiency (CNSHA1). Also called: Hemolytic anemia due to G6PD deficiency; Class I glucose-6-phosphate dehydrogenase deficiency; Favism, susceptibility to; ANEMIA, CONGENITAL, NONSPHEROCYTIC HEMOLYTIC, 1. Identifiers: Orphanet 466026, MedGen C2720289, MONDO:0010480, OMIM 300908.

Allele frequency attached by ClinVar (database versions not stated): ExAC 0.00040; 1000 Genomes Project 30x 0.00042; gnomAD exomes 0.00047 and 0.00115; TOPMed 0.00050; ESP Exome Variant Server 0.00057; gnomAD 0.00063 and 0.00064.
gnomAD v4.1: 1,299 of 1,209,534 alleles (0.11%); highest among the groups gnomAD compares: Non-Finnish European, 0.14%; 1 homozygote.

Submissions (9):

Women's Health and Genetics/Laboratory Corporation of America, LabCorp
Classification: Likely benign. Last evaluated: 2026-04-16. Review status: criteria provided, single submitter. Criteria: LabCorp Variant Classification Summary - May 2015. Collection method: clinical testing. Allele origin: germline.
Comment: Variant summary: G6PD c.672C>G (p.Asp224Glu) results in a conservative amino acid change in the encoded protein sequence. Algorithms developed to predict the effect of missense changes on protein structure and function are either unavailable or do not agree on the potential impact of this missense change. The variant allele was found at a frequency of 0.00047 in 183299 control chromosomes. This frequency is not significantly higher than estimated for disease-causing variants in G6PD, allowing no conclusion about variant significance. c.672C>G has been observed in unidentified individual(s) in a study on functional interpretation and analysis of G6PD variants from population and clinical databases without clinical information (Geck_2023). These report(s) do not provide unequivocal conclusions about association of the variant with Anemia, nonspherocytic hemolytic, due to G6PD deficiency. At least one publication reports experimental evidence evaluating an impact on protein function (Powers_2018). These results showed no damaging effect of this variant. The following publication have been ascertained in the context of this evaluation (PMID: 36681081, 33636823). ClinVar contains an entry for this variant (Variation ID: 368101). Based on the evidence outlined above, the variant was classified as likely benign.

Labcorp Genetics (formerly Invitae), Labcorp
Classification: Likely benign for Anemia, nonspherocytic hemolytic, due to G6PD deficiency. Last evaluated: 2026-01-16. Review status: criteria provided, single submitter. Criteria: Invitae Variant Classification Sherloc (09022015). Collection method: clinical testing. Allele origin: germline.

CeGaT Center for Human Genetics Tuebingen
Classification: Likely benign. Last evaluated: 2025-07-01. Review status: criteria provided, single submitter. Criteria: CeGaT Center For Human Genetics Tuebingen Variant Classification Criteria Version 2. Collection method: clinical testing. Allele origin: germline. Affected: yes. Observed: 1 variant allele.
Comment: G6PD: BS2

Blueprint Genetics
Classification: Likely benign. Last evaluated: 2024-11-26. Review status: criteria provided, single submitter. Criteria: ACMG Guidelines, 2015. Collection method: clinical testing. Allele origin: germline.

ARUP Laboratories, Molecular Genetics and Genomics, ARUP Laboratories
Classification: Likely benign. Last evaluated: 2024-10-31. Review status: criteria provided, single submitter. Criteria: ARUP Molecular Germline Variant Investigation Process 2024. Collection method: clinical testing. Allele origin: germline.

Dunham Lab, University of Washington
Classification: Likely benign for Anemia, nonspherocytic hemolytic, due to G6PD deficiency. Last evaluated: 2024-09-01. Review status: criteria provided, single submitter. Criteria: ACMG Guidelines, 2015. Collection method: curation. Allele origin: unknown. Affected: no.
Comment: Reported in 2 hemizygotes with normal G6PD activity in red blood cells (BS3). Predicted to have normal function (BP4_M).

Mayo Clinic Laboratories, Mayo Clinic
Classification: Uncertain significance. Last evaluated: 2023-10-23. Review status: criteria provided, single submitter. Criteria: ACMG Guidelines, 2015. Collection method: clinical testing. Allele origin: germline. Observed: 2 variant alleles.

Illumina Laboratory Services, Illumina
Classification: Uncertain significance for Glucose 6 phosphate dehydrogenase deficiency. Last evaluated: 2018-01-12. Review status: criteria provided, single submitter. Criteria: ICSL Variant Classification Criteria 13 December 2019. Collection method: clinical testing. Allele origin: germline.

Department of Pathology and Laboratory Medicine, Sinai Health System
Classification: Likely benign. Review status: no assertion criteria provided. Collection method: clinical testing. Allele origin: unknown. Affected: yes. Study: The Canadian Open Genetics Repository (COGR). Not counted in ClinVar's aggregate classification.
Comment: The variant was identified in dbSNP (ID: rs145247580) and ClinVar (classified as likely benign by Invitae and as uncertain significance by Illumina). The variant was identified in control databases in 98 of 204848 chromosomes (33 hemizygotes) at a frequency of 0.0004784 (Genome Aggregation Database March 6, 2019, v2.1.1). The variant was observed in the following populations: European (non-Finnish) in 94 of 92395 chromosomes (freq: 0.001017), Other in 2 of 5323 chromosomes (freq: 0.000376) and African in 2 of 18985 chromosomes (freq: 0.000105), but was not observed in the Latino, Ashkenazi Jewish, East Asian, European (Finnish), or South Asian populations. The p.Asp224 residue is conserved in mammals but not in more distantly related organisms however computational analyses (PolyPhen-2, SIFT, AlignGVGD, BLOSUM, MutationTaster) do not suggest a high likelihood of impact to the protein; this information is not predictive enough to rule out pathogenicity. The variant occurs outside of the splicing consensus sequence and in silico or computational prediction software programs (SpliceSiteFinder, MaxEntScan, NNSPLICE, GeneSplicer) do not predict a difference in splicing. In summary, based on the above information the clinical significance of this variant cannot be determined with certainty at this time although we would lean towards a more benign role for this variant. This variant is classified as likely benign.

Literature cited by the submitters: PubMed 33636823 (cited by 3 submitters); PubMed 36681081 (cited by Women's Health and Genetics/Laboratory Corporation of America, LabCorp); PubMed 38645242 (cited by Dunham Lab, University of Washington); PubMed 30161219 (cited by Mayo Clinic Laboratories, Mayo Clinic).